The following is an entry in ClinVar:

NM_004036.5(ADCY3):c.1196+7G>A

Gene: ADCY3 (adenylate cyclase 3; minus strand). Cytogenetic location: 2p23.3.
Variant type: single nucleotide variant.
Coding change: c.1196+7G>A on transcript NM_004036.5 (MANE Select); 7 bases into the intron after coding-DNA position 1196, G replaced by A.
Molecular consequence: intron variant.
Genome position (GRCh38, 1-based): chr2:24,841,252, C>T on the plus strand (G>A on the coding strand, the complement: ADCY3 is on the minus strand). VCF-style: chr2-24841252-C-T. GRCh37 (hg19) VCF-style: chr2-25064121-C-T.
Other names: c.1196+7G>A (NM_001377130.1, NM_001377129.1, NM_001320613.2 and 2 more transcripts); c.473+7G>A (NM_001377131.1).
Identifiers: ClinVar variation 4997155 (VCV004997155.1).

ClinVar aggregate classification (germline): Likely benign (1 of 4 stars; one submission).

Conditions:
ADCY3-related disorder. Also called: ADCY3-related condition.

gnomAD v4.1: 1 of 1,553,478 alleles (0.000064%); highest among the groups gnomAD compares: African/African-American, 0.0014%; no homozygotes.

Submission:

PreventionGenetics, part of Exact Sciences
Classification: Likely benign for ADCY3-related condition. Last evaluated: 2025-03-19. Review status: criteria provided, single submitter. Criteria: ACMG Guidelines, 2015. Collection method: clinical testing. Allele origin: germline.
Comment: This variant is classified as likely benign based on ACMG/AMP sequence variant interpretation guidelines (Richards et al. 2015 PMID: 25741868, with internal and published modifications).